The following is an entry in ClinVar:

ClinVar aggregate classification (germline): Uncertain significance (1 of 4 stars; one submission).

Allele frequency attached by ClinVar (database versions not stated): gnomAD 0.00003 and 0.00049; gnomAD exomes 0.00003 and 0.00004; ExAC 0.00006; TOPMed 0.00060.

Submission:

Labcorp Genetics (formerly Invitae), Labcorp
Classification: Uncertain significance. Last evaluated: 2025-06-03. Review status: criteria provided, single submitter. Criteria: Invitae Variant Classification Sherloc (09022015). Collection method: clinical testing. Allele origin: germline.
Comment: This sequence change replaces tyrosine, which is neutral and polar, with cysteine, which is neutral and slightly polar, at codon 76 of the GUCA1A protein (p.Tyr76Cys). This variant is present in population databases (rs200275941, gnomAD 0.006%). This variant has not been reported in the literature in individuals affected with GUCA1A-related conditions. ClinVar contains an entry for this variant (Variation ID: 1008436). An algorithm developed to predict the effect of missense changes on protein structure and function (PolyPhen-2) suggests that this variant is likely to be disruptive. In summary, the available evidence is currently insufficient to determine the role of this variant in disease. Therefore, it has been classified as a Variant of Uncertain Significance.

NM_001384910.1(GUCA1A):c.227A>G (p.Tyr76Cys)

Genes: GUCA1A (guanylate cyclase activator 1A; plus strand), GUCA1ANB-GUCA1A (GUCA1ANB-GUCA1A readthrough; plus strand). Cytogenetic location: 6p21.1.
Variant type: single nucleotide variant.
Coding change: c.227A>G on transcript NM_001384910.1 (MANE Select); coding-DNA position 227, A replaced by G.
Protein change: p.Tyr76Cys; replaces tyrosine 76 with cysteine.
Molecular consequence: missense variant.
Genome position (GRCh38, 1-based): chr6:42,178,305, A>G. VCF-style: chr6-42178305-A-G. GRCh37 (hg19) VCF-style: chr6-42146043-A-G.
Other names: c.227A>G, p.Tyr76Cys (NM_000409.5, NM_001319061.2, NM_001319062.2); short protein forms Y76C.
Identifiers: ClinVar variation 1008436 (VCV001008436.8), dbSNP rs200275941, ClinGen allele CA3805325.